The following is an entry in ClinVar:

NM_144596.4(TTC8):c.602A>G (p.His201Arg)

Gene: TTC8 (tetratricopeptide repeat domain 8; plus strand). Cytogenetic location: 14q31.3.
Variant type: single nucleotide variant.
Coding change: c.602A>G on transcript NM_144596.4 (MANE Select); coding-DNA position 602, A replaced by G.
Protein change: p.His201Arg; replaces histidine 201 with arginine.
Molecular consequence: missense variant. On other transcripts: 5 prime UTR variant (1), non-coding transcript variant (1), intron variant (1).
Genome position (GRCh38, 1-based): chr14:88,843,828, A>G. VCF-style: chr14-88843828-A-G. GRCh37 (hg19) VCF-style: chr14-89310172-A-G.
Other names: c.602A>G (NM_144596.3); c.572A>G, p.His191Arg (NM_001288781.1, NM_001366535.2, NM_198309.3); c.-176A>G (NM_001288783.1); c.482A>G, p.His161Arg (NM_001366536.2, NM_198310.3); c.30+2271A>G (NM_001288782.1); short protein forms H191R, H161R, H201R.
Identifiers: ClinVar variation 1430415 (VCV001430415.5), dbSNP rs1328638709, ClinGen allele CA390542665.

ClinVar aggregate classification (germline): Uncertain significance. Review status: criteria provided, multiple submitters, no conflicts (2 of 4 stars). 3 submissions from 3 submitters: Uncertain significance (2). 1 of the submissions does not count toward it. Last evaluated 2022-11-10.

Conditions:
TTC8-related disorder. Also called: TTC8-related condition.
Bardet-Biedl syndrome (BBS). Identifiers: Orphanet 110, MedGen C0752166, MONDO:0015229.

Allele frequency attached by ClinVar (database versions not stated): gnomAD exomes below 0.00001 and 0.00003; TOPMed below 0.00001.
gnomAD v4.1: 36 of 1,595,882 alleles (0.0023%); highest among the groups gnomAD compares: Non-Finnish European, 0.003%; no homozygotes.

Submissions (3):

Blueprint Genetics
Classification: Uncertain significance. Last evaluated: 2022-11-10. Review status: criteria provided, single submitter. Criteria: ACMG Guidelines, 2015. Collection method: clinical testing. Allele origin: germline.

Labcorp Genetics (formerly Invitae), Labcorp
Classification: Uncertain significance for Bardet-Biedl syndrome. Last evaluated: 2022-03-09. Review status: criteria provided, single submitter. Criteria: Invitae Variant Classification Sherloc (09022015). Collection method: clinical testing. Allele origin: germline.
Comment: This sequence change replaces histidine, which is basic and polar, with arginine, which is basic and polar, at codon 191 of the TTC8 protein (p.His191Arg). The frequency data for this variant in the population databases is considered unreliable, as metrics indicate poor data quality at this position in the gnomAD database. This variant has not been reported in the literature in individuals affected with TTC8-related conditions. Algorithms developed to predict the effect of missense changes on protein structure and function are either unavailable or do not agree on the potential impact of this missense change (SIFT: "Deleterious"; PolyPhen-2: "Possibly Damaging"; Align-GVGD: "Class C0"). In summary, the available evidence is currently insufficient to determine the role of this variant in disease. Therefore, it has been classified as a Variant of Uncertain Significance.

PreventionGenetics, part of Exact Sciences
Classification: Uncertain significance for TTC8-related condition. Last evaluated: 2024-07-15. Review status: no assertion criteria provided. Collection method: clinical testing. Allele origin: germline. Not counted in ClinVar's aggregate classification.
Comment: The TTC8 c.602A>G variant is predicted to result in the amino acid substitution p.His201Arg. To our knowledge, this variant has not been reported in the literature. This variant is reported in 0.00098% of alleles in individuals of European (Non-Finnish) descent in gnomAD. At this time, the clinical significance of this variant is uncertain due to the absence of conclusive functional and genetic evidence.